The following is an entry in ClinVar:

ClinVar aggregate classification (germline): Pathogenic (1 of 4 stars; one submission).

Conditions:
Renal carnitine transport defect (CDSP). Also called: CARNITINE DEFICIENCY, SYSTEMIC, DUE TO DEFECT IN RENAL REABSORPTION OF CARNITINE; CARNITINE TRANSPORTER, PLASMA-MEMBRANE, DEFICIENCY OF; CARNITINE UPTAKE DEFECT; Primary carnitine deficiency; Systemic primary carnitine deficiency; Carnitine transporter deficiency. Identifiers: Orphanet 158, MedGen C0342788, MONDO:0008919, OMIM 212140.

Submission:

Myriad Genetics, Inc.
Classification: Pathogenic for Renal carnitine transport defect. Last evaluated: 2024-09-12. Review status: criteria provided, single submitter. Criteria: Myriad Autosomal Dominant, Autosomal Recessive and X-Linked Classification Criteria (2023). Collection method: clinical testing. Allele origin: unknown.
Comment: NM_003060.3(SLC22A5):c.1341C>G(Y447*) is expected to be pathogenic in the context of primary carnitine deficiency. This variant is predicted to lead to an abnormal or absent protein product due to the creation of a premature termination codon in SLC22A5, a gene where loss-of-function variants are known to be pathogenic. Please note: this variant was assessed in the context of healthy population screening.

NM_003060.4(SLC22A5):c.1341C>G (p.Tyr447Ter)

Gene: SLC22A5 (solute carrier family 22 member 5; plus strand). Cytogenetic location: 5q31.1.
Variant type: single nucleotide variant.
Coding change: c.1341C>G on transcript NM_003060.4 (MANE Select); coding-DNA position 1341, C replaced by G.
Protein change: p.Tyr447Ter; replaces tyrosine 447 with a stop codon.
Molecular consequence: nonsense.
Genome position (GRCh38, 1-based): chr5:132,392,506, C>G. VCF-style: chr5-132392506-C-G. GRCh37 (hg19) VCF-style: chr5-131728198-C-G.
Other names: c.1413C>G, p.Tyr471Ter (NM_001308122.2); short protein forms Y447*, Y471*.
Identifiers: ClinVar variation 5010434 (VCV005010434.1).
Genomic context (GRCh38, chr5:132,392,506, plus strand): 5'-GGCTACAGTCCTGGTGATGGTGGGCAAGTTTGGAGTCACGGCTGCCTTTTCCATGGTCTA[C>G]GTGTACACAGCCGAGCTGTATCCCACAGTGGTGAGAAACATGGGTGTGGGAGTCAGCTCC-3'